The following is an entry in ClinVar:

ClinVar aggregate classification (germline): Likely benign. Review status: criteria provided, multiple submitters, no conflicts (2 of 4 stars). 2 submissions from 2 submitters: Likely benign (2). Last evaluated 2015-12-16.

Allele frequency attached by ClinVar (database versions not stated): ExAC 0.00190; gnomAD 0.00831 and 0.00891; 1000 Genomes Project 30x 0.00843; TOPMed 0.00984; ESP Exome Variant Server 0.00062; gnomAD exomes 0.00121.
gnomAD v4.1: 2,501 of 1,613,692 alleles (0.15%); highest among the groups gnomAD compares: African/African-American, 2.8%; 44 homozygotes.

Submissions (2):

Laboratory for Molecular Medicine, Mass General Brigham Personalized Medicine
Classification: Likely benign. Last evaluated: 2015-12-16. Review status: criteria provided, single submitter. Criteria: LMM Criteria. Collection method: clinical testing. Allele origin: germline. Observed: 1 variant allele.
Comment: p.Asn24Thr in exon 3 of SFTPA1: This variant is not expected to have clinical si gnificance due to a lack of conservation across species, including mammals. Of n ote, >10 mammals have a threonine (Thr) at this position. In addition, computati onal prediction tools do not suggest a high likelihood of impact to the protein.

Breakthrough Genomics
Classification: Likely benign. Review status: criteria provided, single submitter. Criteria: ACMG Guidelines, 2015. Collection method: not provided. Allele origin: germline. Inheritance: Autosomal dominant inheritance. Affected: yes.

NM_005411.5(SFTPA1):c.26A>C (p.Asn9Thr)

Gene: SFTPA1 (surfactant protein A1; plus strand). Cytogenetic location: 10q22.3.
Variant type: single nucleotide variant.
Coding change: c.26A>C on transcript NM_005411.5 (MANE Select); coding-DNA position 26, A replaced by C.
Protein change: p.Asn9Thr; replaces asparagine 9 with threonine.
Molecular consequence: missense variant.
Genome position (GRCh38, 1-based): chr10:79,611,851, A>C. VCF-style: chr10-79611851-A-C. GRCh37 (hg19) VCF-style: chr10-81371607-A-C.
Other names: c.71A>C, p.Asn24Thr (NM_001093770.3, NM_001164645.2); c.26A>C, p.Asn9Thr (NM_001164644.2, NM_001164646.2, NM_001164647.1); short protein forms N24T, N9T.
Identifiers: ClinVar variation 227944 (VCV000227944.6), dbSNP rs139899873, ClinGen allele CA5574363.